The following is an entry in ClinVar:

ClinVar aggregate classification (germline): Pathogenic/Likely pathogenic. Review status: criteria provided, multiple submitters, no conflicts (2 of 4 stars). 3 submissions from 3 submitters: Pathogenic (2); Likely pathogenic (1). Last evaluated 2023-04-22.

Conditions:
Niemann-Pick disease, type C1. Also called: NEUROVISCERAL STORAGE DISEASE WITH VERTICAL SUPRANUCLEAR OPHTHALMOPLEGIA; NIEMANN-PICK DISEASE WITH CHOLESTEROL ESTERIFICATION BLOCK; NIEMANN-PICK DISEASE WITHOUT SPHINGOMYELINASE DEFICIENCY; NIEMANN-PICK DISEASE, CHRONIC NEURONOPATHIC FORM; NIEMANN-PICK DISEASE, VARIANT TYPE C1. Identifiers: Orphanet 646, MedGen C3179455, MONDO:0009757, OMIM 257220.

Submissions (3):

Labcorp Genetics (formerly Invitae), Labcorp
Classification: Pathogenic for Niemann-Pick disease, type C1. Last evaluated: 2023-04-22. Review status: criteria provided, single submitter. Criteria: Invitae Variant Classification Sherloc (09022015). Collection method: clinical testing. Allele origin: germline.
Comment: For these reasons, this variant has been classified as Pathogenic. ClinVar contains an entry for this variant (Variation ID: 1705760). This variant has not been reported in the literature in individuals affected with NPC1-related conditions. This variant is not present in population databases (gnomAD no frequency). This sequence change creates a premature translational stop signal (p.Ala696Leufs*33) in the NPC1 gene. It is expected to result in an absent or disrupted protein product. Loss-of-function variants in NPC1 are known to be pathogenic (PMID: 9211850).

CENTOGENE GmbH and LLC - Guiding Precision Medicine
Classification: Pathogenic for Niemann-Pick disease, type C1. Last evaluated: 2022-08-30. Review status: criteria provided, single submitter. Criteria: ACMG Guidelines, 2015. Collection method: clinical testing. Allele origin: germline. Affected: yes.

Myriad Genetics, Inc.
Classification: Likely pathogenic for Niemann-Pick disease, type C1. Last evaluated: 2021-12-16. Review status: criteria provided, single submitter. Criteria: Myriad Women's Health Autosomal Recessive and X-Linked Classification Criteria (2021). Collection method: clinical testing. Allele origin: unknown.
Comment: NM_000271.4(NPC1):c.2086delG(A696Lfs*33) is expected to be pathogenic in the context of Niemann-Pick disease type C1. This variant is predicted to lead to an abnormal or absent protein product due to the creation of a premature termination codon in NPC1, a gene where loss-of-function variants are known to be pathogenic. Please note: this variant was assessed in the context of healthy population screening.

Literature cited by the submitters: PubMed 9211850 (cited by Labcorp Genetics (formerly Invitae), Labcorp).

NM_000271.5(NPC1):c.2086del (p.Ala696fs)

Gene: NPC1 (NPC intracellular cholesterol transporter 1; minus strand). Cytogenetic location: 18q11.2.
Variant type: Deletion.
Coding change: c.2086del on transcript NM_000271.5 (MANE Select); coding-DNA position 2086, one base deleted (G; older notation c.2086delG).
Protein change: p.Ala696fs; shifts the reading frame from alanine 696.
Molecular consequence: frameshift variant.
Genome position (GRCh38, 1-based): chr18:23,544,388, C deleted on the plus strand (G on the coding strand, the reverse complement: NPC1 is on the minus strand); the first of 2 consecutive C bases (chr18:23,544,388-23,544,389); deleting either gives the same sequence. VCF-style (leftmost placement, unchanged base first): chr18-23544387-GC-G. GRCh37 (hg19) VCF-style: chr18-21124351-GC-G.
Other names: short protein forms A696fs.
Identifiers: ClinVar variation 1705760 (VCV001705760.6), dbSNP rs2511234836, ClinGen allele CA2580095607.
Genomic context (GRCh38, chr18:23,544,387, plus strand): 5'-AGAATATGGAAGTATACCTGGTAGGCCTGCACCAGAATGAAGATGTTGTCCACTCCAACA[GC>G]CAGCACCAGGAACGGGATGACTTCAATCACAATGAGGGTCAAGGGCAACCCAATGTAGCT-3'